The following is an entry in ClinVar:

NM_001235.5(SERPINH1):c.697G>T (p.Gly233Cys)

Gene: SERPINH1 (serpin family H member 1; plus strand). Cytogenetic location: 11q13.5.
Variant type: single nucleotide variant.
Coding change: c.697G>T on transcript NM_001235.5 (MANE Select); coding-DNA position 697, G replaced by T.
Protein change: p.Gly233Cys; replaces glycine 233 with cysteine.
Molecular consequence: missense variant.
Genome position (GRCh38, 1-based): chr11:75,568,805, G>T. VCF-style: chr11-75568805-G-T. GRCh37 (hg19) VCF-style: chr11-75279850-G-T.
Other names: c.697G>T, p.Gly233Cys (NM_001207014.3); short protein forms G233C.
Identifiers: ClinVar variation 3251211 (VCV003251211.18), dbSNP rs2497021223.
Genomic context (GRCh38, chr11:75,568,805, plus strand): 5'-AAATTCCACCACAAGATGGTGGACAACCGTGGCTTCATGGTGACTCGGTCCTATACCGTG[G>T]GTGTCATGATGATGCACCGGACAGGTAGGTGCTGTGAGGAGCAGGGTGTCAAGGTGGGTG-3'
Protein context (NP_001226.2, residues 223-243): GFMVTRSYTV[Gly233Cys]VMMMHRTGLY

ClinVar aggregate classification (germline): Uncertain significance (1 of 4 stars; one submission).

Submission:

CeGaT Center for Human Genetics Tuebingen
Classification: Uncertain significance. Last evaluated: 2024-07-01. Review status: criteria provided, single submitter. Criteria: CeGaT Center For Human Genetics Tuebingen Variant Classification Criteria Version 2. Collection method: clinical testing. Allele origin: germline. Affected: yes. Observed: 1 variant allele.
Comment: SERPINH1: PM2, PP4